The following is an entry in ClinVar:

ClinVar aggregate classification (germline): Uncertain significance (1 of 4 stars; one submission).

Allele frequency attached by ClinVar (database versions not stated): TOPMed below 0.00001; 1000 Genomes Project 30x 0.00016; gnomAD 0.00001.
gnomAD v4.1: 25 of 1,592,258 alleles (0.0016%); highest among the groups gnomAD compares: East Asian, 0.054%; no homozygotes.

Submission:

Labcorp Genetics (formerly Invitae), Labcorp
Classification: Uncertain significance. Last evaluated: 2025-07-09. Review status: criteria provided, single submitter. Criteria: Invitae Variant Classification Sherloc (09022015). Collection method: clinical testing. Allele origin: germline.
Comment: This sequence change replaces leucine, which is neutral and non-polar, with phenylalanine, which is neutral and non-polar, at codon 50 of the TCF3 protein (p.Leu50Phe). This variant is present in population databases (rs774660079, gnomAD 0.007%). This variant has not been reported in the literature in individuals affected with TCF3-related conditions. ClinVar contains an entry for this variant (Variation ID: 2996855). An algorithm developed to predict the effect of missense changes on protein structure and function (PolyPhen-2) suggests that this variant is likely to be disruptive. In summary, the available evidence is currently insufficient to determine the role of this variant in disease. Therefore, it has been classified as a Variant of Uncertain Significance.

NM_003200.5(TCF3):c.148C>T (p.Leu50Phe)

Gene: TCF3 (transcription factor 3; minus strand). Cytogenetic location: 19p13.3.
Variant type: single nucleotide variant.
Coding change: c.148C>T on transcript NM_003200.5 (MANE Select); coding-DNA position 148, C replaced by T.
Protein change: p.Leu50Phe; replaces leucine 50 with phenylalanine.
Molecular consequence: missense variant.
Genome position (GRCh38, 1-based): chr19:1,632,403, G>A on the plus strand (C>T on the coding strand, the complement: TCF3 is on the minus strand). VCF-style: chr19-1632403-G-A. GRCh37 (hg19) VCF-style: chr19-1632402-G-A.
Other names: c.148C>T, p.Leu50Phe (NM_001136139.4, NM_001351778.2, NM_001351779.2); short protein forms L50F.
Identifiers: ClinVar variation 2996855 (VCV002996855.3), dbSNP rs774660079, ClinGen allele CA9050564.